The following is an entry in ClinVar:

ClinVar aggregate classification (germline): Likely benign (1 of 4 stars; one submission).

Conditions:
ADCY3-related disorder. Also called: ADCY3-related condition.

Submission:

PreventionGenetics, part of Exact Sciences
Classification: Likely benign for ADCY3-related condition. Last evaluated: 2025-08-18. Review status: criteria provided, single submitter. Criteria: ACMG Guidelines, 2015. Collection method: clinical testing. Allele origin: germline.
Comment: This variant is classified as likely benign based on ACMG/AMP sequence variant interpretation guidelines (Richards et al. 2015 PMID: 25741868, with internal and published modifications).

NM_004036.5(ADCY3):c.339T>C (p.Ile113=)

Gene: ADCY3 (adenylate cyclase 3; minus strand). Cytogenetic location: 2p23.3.
Variant type: single nucleotide variant.
Coding change: c.339T>C on transcript NM_004036.5 (MANE Select); coding-DNA position 339, T replaced by C.
Protein change: p.Ile113=; no amino-acid change (isoleucine 113 retained).
Molecular consequence: synonymous variant.
Genome position (GRCh38, 1-based): chr2:24,918,649, A>G on the plus strand (T>C on the coding strand, the complement: ADCY3 is on the minus strand). VCF-style: chr2-24918649-A-G. GRCh37 (hg19) VCF-style: chr2-25141518-A-G.
Other names: c.339T>C, p.Ile113= (NM_001320613.2, NM_001377128.1, NM_001377129.1 and 2 more transcripts).
Identifiers: ClinVar variation 4987518 (VCV004987518.1).
Genomic context (GRCh38, chr2:24,918,649, plus strand): 5'-CCGGTCCGGGAGCAGCCCCTTTTTGCAGAGCACGAAGAGGATGATGTCCAACACCAGTCC[A>G]ATTCCAGCCACGGCGAGGGAAGCCAGCTTGTCGCTGGAGAAGACCACAGCACACATGACC-3'
Protein context (NP_004027.2, residues 103-123): DKLASLAVAG[Ile113=]GLVLDIILFV